The following is an entry in ClinVar:

ClinVar aggregate classification (germline): Uncertain significance (1 of 4 stars; one submission).

Conditions:
Inborn genetic diseases. Identifiers: MedGen C0950123, MeSH D030342.

Submission:

Ambry Genetics
Classification: Uncertain significance for Inborn genetic diseases. Last evaluated: 2025-06-21. Review status: criteria provided, single submitter. Criteria: Ambry Variant Classification Scheme 2023. Collection method: clinical testing. Allele origin: germline.
Comment: The p.A196E variant (also known as c.587C>A), located in coding exon 3 of the ERCC6L2 gene, results from a C to A substitution at nucleotide position 587. The alanine at codon 196 is replaced by glutamic acid, an amino acid with dissimilar properties. This amino acid position is conserved. In addition, this alteration is predicted to be tolerated by in silico analysis. Based on the available evidence, the clinical significance of this variant remains unclear.

NM_020207.7(ERCC6L2):c.587C>A (p.Ala196Glu)

Gene: ERCC6L2 (ERCC excision repair 6 like 2; plus strand). Cytogenetic location: 9q22.32.
Variant type: single nucleotide variant.
Coding change: c.587C>A on transcript NM_020207.7 (MANE Select); coding-DNA position 587, C replaced by A.
Protein change: p.Ala196Glu; replaces alanine 196 with glutamic acid.
Molecular consequence: missense variant. On other transcripts: non-coding transcript variant (1).
Genome position (GRCh38, 1-based): chr9:95,897,964, C>A. VCF-style: chr9-95897964-C-A. GRCh37 (hg19) VCF-style: chr9-98660246-C-A.
Other names: c.587C>A, p.Ala196Glu (NM_001010895.4, NM_001375291.1, NM_001375292.1 and 2 more transcripts); short protein forms A196E.
Identifiers: ClinVar variation 4250548 (VCV004250548.1).